The following is an entry in ClinVar:

NM_005629.4(SLC6A8):c.648C>G (p.Asn216Lys)

Gene: SLC6A8 (solute carrier family 6 member 8; plus strand). Cytogenetic location: Xq28.
Variant type: single nucleotide variant.
Coding change: c.648C>G on transcript NM_005629.4 (MANE Select); coding-DNA position 648, C replaced by G.
Protein change: p.Asn216Lys; replaces asparagine 216 with lysine.
Molecular consequence: missense variant.
Genome position (GRCh38, 1-based): chrX:153,691,978, C>G. VCF-style: chrX-153691978-C-G. GRCh37 (hg19) VCF-style: chrX-152957433-C-G.
Other names: c.648C>G, p.Asn216Lys (NM_001142805.2); c.303C>G, p.Asn101Lys (NM_001142806.1); short protein forms N101K, N216K.
Identifiers: ClinVar variation 3359563 (VCV003359563.1).

ClinVar aggregate classification (germline): Uncertain significance (1 of 4 stars; one submission).

Submission:

GeneDx
Classification: Uncertain significance. Last evaluated: 2023-06-05. Review status: criteria provided, single submitter. Criteria: GeneDx Variant Classification Process June 2021. Collection method: clinical testing. Allele origin: germline. Affected: yes.
Comment: Not observed at significant frequency in large population cohorts (gnomAD); In silico analysis supports that this missense variant does not alter protein structure/function; In silico analysis suggests this variant may impact gene splicing. In the absence of RNA/functional studies, the actual effect of this sequence change is unknown.; Has not been previously published as pathogenic or benign to our knowledge